The following is an entry in ClinVar:

ClinVar aggregate classification (germline): Likely pathogenic (1 of 4 stars; one submission).

Submission:

Labcorp Genetics (formerly Invitae), Labcorp
Classification: Likely pathogenic. Last evaluated: 2022-07-05. Review status: criteria provided, single submitter. Criteria: Invitae Variant Classification Sherloc (09022015). Collection method: clinical testing. Allele origin: germline.
Comment: This variant is not present in population databases (gnomAD no frequency). This sequence change affects a donor splice site in intron 17 of the IMPG2 gene. It is expected to disrupt RNA splicing. Variants that disrupt the donor or acceptor splice site typically lead to a loss of protein function (PMID: 16199547), and loss-of-function variants in IMPG2 are known to be pathogenic (PMID: 20673862). This variant has not been reported in the literature in individuals affected with IMPG2-related conditions. In summary, the currently available evidence indicates that the variant is pathogenic, but additional data are needed to prove that conclusively. Therefore, this variant has been classified as Likely Pathogenic. Algorithms developed to predict the effect of sequence changes on RNA splicing suggest that this variant may disrupt the consensus splice site. ClinVar contains an entry for this variant (Variation ID: 1475322).

Literature cited by the submitters: PubMed 16199547; PubMed 20673862.

NM_016247.4(IMPG2):c.3633+1G>T

Gene: IMPG2 (interphotoreceptor matrix proteoglycan 2; minus strand). Cytogenetic location: 3q12.3.
Variant type: single nucleotide variant.
Coding change: c.3633+1G>T on transcript NM_016247.4 (MANE Select); the canonical splice donor site of the intron after coding-DNA position 3633, G replaced by T.
Molecular consequence: splice donor variant.
Genome position (GRCh38, 1-based): chr3:101,229,379, C>A on the plus strand (G>T on the coding strand, the complement: IMPG2 is on the minus strand). VCF-style: chr3-101229379-C-A. GRCh37 (hg19) VCF-style: chr3-100948223-C-A.
Identifiers: ClinVar variation 1475322 (VCV001475322.8), dbSNP rs886057685, ClinGen allele CA353846705.
Genomic context (GRCh38, chr3:101,229,379, plus strand): 5'-TGCTCCCCCACACACACACCAGCAGTAGCTGCGACAGCAACATAAATGCAAAGTTTCCCA[C>A]CTCTCTGGAAAGCTCACTGCTCTCATACATCTGTCTGATTTCTTCTCTGCTCAGCCCACC-3'